The following is an entry in ClinVar:

ClinVar aggregate classification (germline): Likely benign. Review status: criteria provided, multiple submitters, no conflicts (2 of 4 stars). 2 submissions from 2 submitters: Likely benign (2). Last evaluated 2024-06-17.

Conditions:
Ataxia-telangiectasia syndrome (AT). Also called: LOUIS-BAR SYNDROME; Cerebello-oculocutaneous telangiectasia; Immunodeficiency with ataxia telangiectasia; Ataxia telangiectasia (A-T); Ataxia-telangiectasia, complementation group D; AT, COMPLEMENTATION GROUP C. Identifiers: Orphanet 100, MedGen C0004135, MONDO:0008840, OMIM 208900.
Familial cancer of breast. Also called: BREAST CANCER, FAMILIAL; Hereditary breast cancer; hereditary breast carcinoma. Identifiers: Orphanet 227535, MedGen C0346153, MONDO:0016419, OMIM 114480. Disease mechanism: loss of function.

Submissions (2):

Myriad Genetics, Inc.
Classification: Likely benign for Familial cancer of breast. Last evaluated: 2024-06-17. Review status: criteria provided, single submitter. Criteria: Myriad Autosomal Dominant, Autosomal Recessive and X-Linked Classification Criteria (2023). Collection method: clinical testing. Allele origin: unknown.
Comment: This variant is considered likely benign. This variant is intronic and is not expected to impact mRNA splicing.

Labcorp Genetics (formerly Invitae), Labcorp
Classification: Likely benign for Ataxia-telangiectasia syndrome. Last evaluated: 2023-10-18. Review status: criteria provided, single submitter. Criteria: Invitae Variant Classification Sherloc (09022015). Collection method: clinical testing. Allele origin: germline.

NM_000051.4(ATM):c.7789-5A>C

Genes: ATM (ATM serine/threonine kinase; plus strand), C11orf65 (chromosome 11 open reading frame 65; minus strand). Cytogenetic location: 11q22.3.
Variant type: single nucleotide variant.
Coding change: c.7789-5A>C on transcript NM_000051.4 (MANE Select); 5 bases into the intron before coding-DNA position 7789, A replaced by C.
Molecular consequence: intron variant.
Genome position (GRCh38, 1-based): chr11:108,332,757, A>C. VCF-style: chr11-108332757-A-C. GRCh37 (hg19) VCF-style: chr11-108203484-A-C.
Other names: c.7789-5A>C (NM_001351834.2); c.641-23686T>G (NM_001330368.2); c.*38+2463T>G (NM_001351110.2).
Identifiers: ClinVar variation 2777379 (VCV002777379.4), dbSNP rs2086401437, ClinGen allele CA2739266012.